The following is an entry in ClinVar:

ClinVar aggregate classification (germline): Pathogenic. Review status: criteria provided, multiple submitters, no conflicts (2 of 4 stars). 3 submissions from 3 submitters: Pathogenic (3). Last evaluated 2024-07-13.

Conditions:
Hereditary cancer-predisposing syndrome. Also called: Hereditary neoplastic syndrome; Tumor predisposition; Neoplastic Syndromes, Hereditary; Hereditary Cancer Syndrome. Identifiers: Orphanet 140162, MedGen C0027672, MeSH D009386, MONDO:0015356.
Familial cancer of breast. Also called: Hereditary breast cancer; hereditary breast carcinoma; BREAST CANCER, FAMILIAL. Identifiers: Orphanet 227535, MedGen C0346153, MONDO:0016419, OMIM 114480. Disease mechanism: loss of function.

Submissions (3):

Labcorp Genetics (formerly Invitae), Labcorp
Classification: Pathogenic for Familial cancer of breast. Last evaluated: 2024-07-13. Review status: criteria provided, single submitter. Criteria: Invitae Variant Classification Sherloc (09022015). Collection method: clinical testing. Allele origin: germline.
Comment: This sequence change creates a premature translational stop signal (p.Thr386Asnfs*15) in the PALB2 gene. It is expected to result in an absent or disrupted protein product. Loss-of-function variants in PALB2 are known to be pathogenic (PMID: 17200668, 17200671, 17200672, 24136930, 25099575). This variant is not present in population databases (gnomAD no frequency). This variant has not been reported in the literature in individuals affected with PALB2-related conditions. ClinVar contains an entry for this variant (Variation ID: 654967). For these reasons, this variant has been classified as Pathogenic.

Ambry Genetics
Classification: Pathogenic for Hereditary cancer-predisposing syndrome. Last evaluated: 2024-07-08. Review status: criteria provided, single submitter. Criteria: Ambry Variant Classification Scheme 2023. Collection method: clinical testing. Allele origin: germline.
Comment: The c.1156dupA pathogenic mutation, located in coding exon 4 of the PALB2 gene, results from a duplication of A at nucleotide position 1156, causing a translational frameshift with a predicted alternate stop codon (p.T386Nfs*15). This alteration is expected to result in loss of function by premature protein truncation or nonsense-mediated mRNA decay. In addition, this variant is considered to be rare based on population cohorts in the Genome Aggregation Database (gnomAD). As such, this alteration is interpreted as a disease-causing mutation.

Myriad Genetics, Inc.
Classification: Pathogenic for Familial cancer of breast. Last evaluated: 2023-09-08. Review status: criteria provided, single submitter. Criteria: Myriad Autosomal Dominant, Autosomal Recessive and X-Linked Classification Criteria (2023). Collection method: clinical testing. Allele origin: unknown.
Comment: This variant is considered pathogenic. This variant creates a frameshift predicted to result in premature protein truncation.

Literature cited by the submitters: PubMed 17200668 (cited by Labcorp Genetics (formerly Invitae), Labcorp); PubMed 17200671 (cited by Labcorp Genetics (formerly Invitae), Labcorp); PubMed 17200672 (cited by Labcorp Genetics (formerly Invitae), Labcorp); PubMed 24136930 (cited by Labcorp Genetics (formerly Invitae), Labcorp); PubMed 25099575 (cited by Labcorp Genetics (formerly Invitae), Labcorp).

NM_024675.4(PALB2):c.1156dup (p.Thr386fs)

Gene: PALB2 (partner and localizer of BRCA2; minus strand). Cytogenetic location: 16p12.2.
Variant type: Duplication.
Coding change: c.1156dup on transcript NM_024675.4 (MANE Select); coding-DNA position 1156, one base duplicated (A; older notation c.1156dupA).
Protein change: p.Thr386fs; shifts the reading frame from threonine 386.
Molecular consequence: frameshift variant.
Genome position (GRCh38, 1-based): chr16:23,635,390, T duplicated on the plus strand (A on the coding strand, the reverse complement: PALB2 is on the minus strand); the first of 2 consecutive T bases (chr16:23,635,390-23,635,391); duplicating either gives the same sequence. VCF-style (leftmost placement, unchanged base first): chr16-23635389-G-GT. GRCh37 (hg19) VCF-style: chr16-23646710-G-GT.
Other names: c.1156dupA (NM_024675.3); short protein forms T386fs.
Identifiers: ClinVar variation 654967 (VCV000654967.16), dbSNP rs1597096949, ClinGen allele CA915949205.
Genomic context (GRCh38, chr16:23,635,389, plus strand): 5'-GCAGGAAACAGAAGGCCTTCAGGCACTGTGCAAGAATGTTTTTCTGCAGAAAGAGGAGAG[G>GT]TTGCTTCCAGGCTAAGACTCTTAGGTTGACTTAGAATCTCACTTTCCTGAAGATTTTCAT-3'